The following is an entry in ClinVar:

ClinVar aggregate classification (germline): Uncertain significance (1 of 4 stars; one submission).

Conditions:
Hereditary cancer-predisposing syndrome. Also called: Hereditary neoplastic syndrome; Neoplastic Syndromes, Hereditary; Tumor predisposition; Hereditary Cancer Syndrome. Identifiers: Orphanet 140162, MedGen C0027672, MeSH D009386, MONDO:0015356.

gnomAD v4.1: 1 of 1,613,652 alleles (0.000062%); no homozygotes.

Submission:

Ambry Genetics
Classification: Uncertain significance for Hereditary cancer-predisposing syndrome. Last evaluated: 2025-01-11. Review status: criteria provided, single submitter. Criteria: Ambry Variant Classification Scheme 2023. Collection method: clinical testing. Allele origin: germline.
Comment: The p.L879V variant (also known as c.2635C>G), located in coding exon 15 of the DICER1 gene, results from a C to G substitution at nucleotide position 2635. The leucine at codon 879 is replaced by valine, an amino acid with highly similar properties. This amino acid position is conserved. In addition, the in silico prediction for this alteration is inconclusive. Based on the available evidence, the clinical significance of this variant remains unclear.

NM_177438.3(DICER1):c.2635C>G (p.Leu879Val)

Gene: DICER1 (dicer 1, ribonuclease III; minus strand). Cytogenetic location: 14q32.13.
Variant type: single nucleotide variant.
Coding change: c.2635C>G on transcript NM_177438.3 (MANE Select); coding-DNA position 2635, C replaced by G.
Protein change: p.Leu879Val; replaces leucine 879 with valine.
Molecular consequence: missense variant. On other transcripts: non-coding transcript variant (6).
Genome position (GRCh38, 1-based): chr14:95,107,895, G>C on the plus strand (C>G on the coding strand, the complement: DICER1 is on the minus strand). VCF-style: chr14-95107895-G-C. GRCh37 (hg19) VCF-style: chr14-95574232-G-C.
Other names: c.2635C>G, p.Leu879Val (NM_001195573.1, NM_001271282.3, NM_001291628.2 and 12 more transcripts); c.2353C>G, p.Leu785Val (NM_001395686.1); c.2230C>G, p.Leu744Val (NM_001395687.1, NM_001395688.1, NM_001395689.1 and 2 more transcripts); c.2068C>G, p.Leu690Val (NM_001395691.1); c.952C>G, p.Leu318Val (NM_001395697.1); short protein forms L744V, L690V, L879V, L785V, L318V.
Identifiers: ClinVar variation 3840001 (VCV003840001.1).